The following is an entry in ClinVar:

ClinVar aggregate classification (germline): Conflicting classifications of pathogenicity. Review status: criteria provided, conflicting classifications (1 of 4 stars). 4 submissions from 3 submitters: Uncertain significance (2); Likely benign (2). Last evaluated 2025-03-18.

Conditions:
CFHR5 deficiency. Identifiers: MedGen C3553720.
Inborn genetic diseases. Identifiers: MedGen C0950123, MeSH D030342.
C3 glomerulonephritis. Also called: C3 GLOMERULOPATHY 3; Nephropathy due to CFHR5 Deficiency. Identifiers: Orphanet 329931, MedGen C4055342, MONDO:0013892, OMIM 614809.

Allele frequency attached by ClinVar (database versions not stated): TOPMed 0.00001; 1000 Genomes Project 0.00020; gnomAD exomes 0.00005; gnomAD 0.00002; 1000 Genomes Project 30x 0.00016; ExAC 0.00016.
gnomAD v4.1: 77 of 1,613,556 alleles (0.0048%); highest among the groups gnomAD compares: South Asian, 0.079%; no homozygotes.

Submissions (4):

Labcorp Genetics (formerly Invitae), Labcorp
Classification: Likely benign. Last evaluated: 2025-03-18. Review status: criteria provided, single submitter. Criteria: Invitae Variant Classification Sherloc (09022015). Collection method: clinical testing. Allele origin: germline.

Ambry Genetics
Classification: Likely benign for Inborn genetic diseases. Last evaluated: 2024-10-02. Review status: criteria provided, single submitter. Criteria: Ambry Variant Classification Scheme 2023. Collection method: clinical testing. Allele origin: germline.

Neuberg Centre For Genomic Medicine, NCGM
Classification: Uncertain significance for C3 glomerulonephritis. Last evaluated: 2023-05-20. Review status: criteria provided, single submitter. Criteria: ACMG Guidelines, 2015. Collection method: clinical testing. Allele origin: germline. Inheritance: Autosomal dominant inheritance. Affected: yes.
Comment: The observed missense variant c.1640C>T(p.Ala547Val) in CFHR5 gene has not been reported previously as a pathogenic variant nor as a benign variant, to our knowledge. The p.Ala547Val varant is present with an allele frequency of 0.01% on gnomAD database. This variant has not been submitted to the ClinVar database. Computational evidence (SIFT - tolerated; Polyphen - damaging; MutationTaster - polymorphism) predict conflicting evidence on protein structure and function for this variant. The amino acid Ala at position 547 is changed to a Val changing protein sequence and it might alter its composition and physico-chemical properties. For these reasons, this variant has been classified as a Variant of Uncertain Significance (VUS).

Neuberg Centre For Genomic Medicine, NCGM
Classification: Uncertain significance for C3 glomerulonephritis. Review status: criteria provided, single submitter. Criteria: ACMG Guidelines, 2015. Collection method: clinical testing. Allele origin: germline. Inheritance: Autosomal dominant inheritance. Affected: yes.
Comment: The missense c.1640C>Tp.Ala547Val variant in CFHR5 gene has not been reported previously as a pathogenic variant nor as a benign variant, to our knowledge. This variant is reported with the allele frequency of 0.01% in the gnomAD Exomes. The amino acid Ala at position 547 is changed to a Val changing protein sequence and it might alter its composition and physico-chemical properties. For these reasons, this variant has been classified as Uncertain Significance.

NM_030787.4(CFHR5):c.1640C>T (p.Ala547Val)

Gene: CFHR5 (complement factor H related 5; plus strand). Cytogenetic location: 1q31.3.
Variant type: single nucleotide variant.
Coding change: c.1640C>T on transcript NM_030787.4 (MANE Select); coding-DNA position 1640, C replaced by T.
Protein change: p.Ala547Val; replaces alanine 547 with valine.
Molecular consequence: missense variant.
Genome position (GRCh38, 1-based): chr1:197,008,613, C>T. VCF-style: chr1-197008613-C-T. GRCh37 (hg19) VCF-style: chr1-196977743-C-T.
Other names: short protein forms A547V.
Identifiers: ClinVar variation 2514796 (VCV002514796.8), dbSNP rs534950713, ClinGen allele CA1308137.